The following is an entry in ClinVar:

ClinVar aggregate classification (germline): Uncertain significance. Review status: criteria provided, multiple submitters, no conflicts (2 of 4 stars). 2 submissions from 2 submitters: Uncertain significance (2). Last evaluated 2025-10-23.

Conditions:
Familial thoracic aortic aneurysm and aortic dissection (TAAD). Also called: Thoracic aortic aneurysms and dissections. Identifiers: Orphanet 91387, MedGen C4707243, MONDO:0019625.
HYPERHOMOCYSTEINEMIA, THROMBOTIC, CBS-RELATED. Identifiers: MedGen C3150344, OMIM 236200.

Submissions (2):

Ambry Genetics
Classification: Uncertain significance for Familial thoracic aortic aneurysm and aortic dissection. Last evaluated: 2025-10-23. Review status: criteria provided, single submitter. Criteria: Ambry Variant Classification Scheme 2023. Collection method: clinical testing. Allele origin: germline.

Labcorp Genetics (formerly Invitae), Labcorp
Classification: Uncertain significance for HYPERHOMOCYSTEINEMIA, THROMBOTIC, CBS-RELATED. Last evaluated: 2021-09-02. Review status: criteria provided, single submitter. Criteria: Invitae Variant Classification Sherloc (09022015). Collection method: clinical testing. Allele origin: germline.
Comment: This sequence change replaces valine with leucine at codon 533 of the CBS protein (p.Val533Leu). The valine residue is moderately conserved and there is a small physicochemical difference between valine and leucine. This variant is not present in population databases (ExAC no frequency). This variant has not been reported in the literature in individuals affected with CBS-related conditions. Algorithms developed to predict the effect of missense changes on protein structure and function (SIFT, PolyPhen-2, Align-GVGD) all suggest that this variant is likely to be tolerated. Algorithms developed to predict the effect of sequence changes on RNA splicing suggest that this variant may create or strengthen a splice site. In summary, the available evidence is currently insufficient to determine the role of this variant in disease. Therefore, it has been classified as a Variant of Uncertain Significance.

NM_000071.3(CBS):c.1597G>T (p.Val533Leu)

Gene: CBS (cystathionine beta-synthase; minus strand). Cytogenetic location: 21q22.3.
Variant type: single nucleotide variant.
Coding change: c.1597G>T on transcript NM_000071.3 (MANE Select); coding-DNA position 1597, G replaced by T.
Protein change: p.Val533Leu; replaces valine 533 with leucine.
Molecular consequence: missense variant.
Genome position (GRCh38, 1-based): chr21:43,053,939, C>A on the plus strand (G>T on the coding strand, the complement: CBS is on the minus strand). VCF-style: chr21-43053939-C-A. GRCh37 (hg19) VCF-style: chr21-44474049-C-A.
Other names: c.1597G>T, p.Val533Leu (NM_001178008.3, NM_001178009.3, NM_001320298.2); c.1282G>T, p.Val428Leu (NM_001321072.1); short protein forms V533L, V428L.
Identifiers: ClinVar variation 580404 (VCV000580404.8), dbSNP rs1568916218, ClinGen allele CA410394732.